The following continues an entry in ClinVar:

NM_020975.6(RET):c.785T>C (p.Val262Ala)

Gene: RET. ClinVar aggregate classification (germline): Conflicting classifications of pathogenicity. Uncertain significance (12); Likely benign (8).

Submissions 13 to 26 of 26:

Illumina Laboratory Services, Illumina
Classification: Uncertain significance for Hirschsprung disease, susceptibility to, 1. Last evaluated: 2019-11-27. Review status: criteria provided, single submitter. Criteria: ICSL Variant Classification Criteria 13 December 2019. Collection method: clinical testing. Allele origin: germline.

Illumina Laboratory Services, Illumina
Classification: Likely benign for Pheochromocytoma. Last evaluated: 2019-11-27. Review status: criteria provided, single submitter. Criteria: ICSL Variant Classification Criteria 13 December 2019. Collection method: clinical testing. Allele origin: germline.
Comment: This variant was observed as part of a predisposition screen in an ostensibly healthy population. A literature search was performed for the gene, cDNA change, and amino acid change (where applicable). No publications were found based on this search. Allele frequency data from public databases allowed determination this variant is unlikely to cause disease. Therefore, this variant is classified as likely benign.

Illumina Laboratory Services, Illumina
Classification: Uncertain significance for Renal hypodysplasia/aplasia 1. Last evaluated: 2019-11-27. Review status: criteria provided, single submitter. Criteria: ICSL Variant Classification Criteria 13 December 2019. Collection method: clinical testing. Allele origin: germline.

Illumina Laboratory Services, Illumina
Classification: Likely benign for Multiple endocrine neoplasia. Last evaluated: 2019-11-27. Review status: criteria provided, single submitter. Criteria: ICSL Variant Classification Criteria 13 December 2019. Collection method: clinical testing. Allele origin: germline.
Comment: the same text as in the submission from Illumina Laboratory Services, Illumina above.

GeneKor MSA
Classification: Uncertain significance for Hereditary cancer-predisposing syndrome. Last evaluated: 2018-08-01. Review status: criteria provided, single submitter. Criteria: ACMG Guidelines, 2015. Collection method: clinical testing. Allele origin: germline. Affected: yes.

Ambry Genetics
Classification: Likely benign for Hereditary cancer-predisposing syndrome. Last evaluated: 2018-06-11. Review status: criteria provided, single submitter. Criteria: Ambry Variant Classification Scheme 2023. Collection method: clinical testing. Allele origin: germline.

Department of Genetics, Sultan Qaboos University Hospital
Classification: Uncertain significance for Multiple endocrine neoplasia type 2A. Last evaluated: 2017-12-30. Review status: criteria provided, single submitter. Criteria: ACMG Guidelines, 2015. Collection method: curation. Allele origin: unknown. Affected: yes.

Laboratory for Molecular Medicine, Mass General Brigham Personalized Medicine
Classification: Uncertain significance. Last evaluated: 2017-01-24. Review status: criteria provided, single submitter. Criteria: LMM Criteria. Collection method: clinical testing. Allele origin: germline.
Comment: Variant identified in a genome or exome case(s) and assessed due to predicted null impact of the variant or pathogenic assertions in the literature or databases. Disclaimer: This variant has not undergone full assessment. The following are preliminary notes: This variant is present in HGMD in 4 papers, with comments suggesting VUS. It has been seen in unaffected patients, as well as one with Hirschprung's disease and an individual with pituitary adenomas but did not segregate in this family. This variant has a Max MAF of 0.032% in ExAC. It is classified with 2 stars as VUS by GeneDx, Invitae, Biesecker, and CSER_CC_NCGL.

PreventionGenetics, part of Exact Sciences
Classification: Likely benign for RET-related condition. Last evaluated: 2023-01-31. Review status: no assertion criteria provided. Collection method: clinical testing. Allele origin: germline. Not counted in ClinVar's aggregate classification.
Comment: This variant is classified as likely benign based on ACMG/AMP sequence variant interpretation guidelines (Richards et al. 2015 PMID: 25741868, with internal and published modifications).

Gharavi Laboratory, Columbia University
Classification: Uncertain significance. Last evaluated: 2018-09-16. Review status: no assertion criteria provided. Criteria: ACMG Guidelines, 2015. Collection method: research. Allele origin: germline. Affected: no. Not counted in ClinVar's aggregate classification.

Counsyl
Classification: Likely benign for Multiple endocrine neoplasia type 2A. Last evaluated: 2018-05-25. Review status: no assertion criteria provided. Collection method: clinical testing. Allele origin: unknown. Not counted in ClinVar's aggregate classification.

CSER _CC_NCGL, University of Washington
Classification: Uncertain significance for Hirschsprung disease. Last evaluated: 2014-06-01. Review status: no assertion criteria provided. Collection method: research. Allele origin: germline. Inheritance: Autosomal dominant inheritance. Study: ESP 6500 variant annotation. Not counted in ClinVar's aggregate classification.
Comment: Variants classified for the Actionable exomic incidental findings in 6503 participants: challenges of variant classification manuscript

Biesecker Lab/Clinical Genomics Section, National Institutes of Health
Classification: Uncertain significance. Last evaluated: 2012-07-13. Review status: no assertion criteria provided. Collection method: research. Allele origin: germline. Affected: no. Observed: 1 variant allele. Study: ClinSeq. Not counted in ClinVar's aggregate classification.
ClinVar note: Converted during submission from variant of unknown significance to Uncertain significance.

Center of Medical Genetics and Primary Health Care
Classification: Uncertain significance for Breast Cancer. Review status: no assertion criteria provided. Collection method: clinical testing. Allele origin: germline. Affected: yes. Not counted in ClinVar's aggregate classification.

Literature cited by the submitters: PubMed 11955539 (cited by 3 submitters); PubMed 31614935 (cited by Labcorp Genetics (formerly Invitae), Labcorp and Color Diagnostics, LLC DBA Color Health); PubMed 35534704 (cited by Labcorp Genetics (formerly Invitae), Labcorp); PubMed 20956458 (cited by 3 submitters); PubMed 29684080 (cited by Color Diagnostics, LLC DBA Color Health); PubMed 31159747 (cited by Color Diagnostics, LLC DBA Color Health); PubMed 36479692 (cited by Color Diagnostics, LLC DBA Color Health); PubMed 24055113 (cited by Ambry Genetics); PubMed 25637381 (cited by Ambry Genetics); PubMed 27884173 (cited by Ambry Genetics).